The following is an entry in ClinVar:

ClinVar aggregate classification (germline): Uncertain significance (1 of 4 stars; one submission).

Conditions:
Usher syndrome type 1 (USH1). Also called: RETINITIS PIGMENTOSA AND CONGENITAL DEAFNESS. Identifiers: Orphanet 231169, Orphanet 886, MedGen C1568247, MONDO:0010168, OMIM 276900.

Submission:

Myriad Genetics, Inc.
Classification: Uncertain significance for Usher syndrome type 1. Last evaluated: 2025-09-22. Review status: criteria provided, single submitter. Criteria: Myriad Autosomal Dominant, Autosomal Recessive and X-Linked Classification Criteria (2023). Collection method: clinical testing. Allele origin: unknown.
Comment: NM_000260.3(MYO7A):c.2368-2A>G is a variant in a canonical splice site classified as a variant of uncertain significance in the context of MYO7A-related disorders. c.2368-2A>G has not been observed in cases with relevant disease. Relevant functional assessments of this variant are not available in the literature. c.2368-2A>G has not been observed in referenced population frequency databases. In summary, there is insufficient evidence to classify NM_000260.3(MYO7A):c.2368-2A>G as pathogenic or benign. Please note: this variant was assessed in the context of healthy population screening.

NM_000260.4(MYO7A):c.2368-2A>G

Gene: MYO7A (myosin VIIA; plus strand). Cytogenetic location: 11q13.5.
Variant type: single nucleotide variant.
Coding change: c.2368-2A>G on transcript NM_000260.4 (MANE Select); the canonical splice acceptor site of the intron before coding-DNA position 2368, A replaced by G.
Molecular consequence: splice acceptor variant.
Genome position (GRCh38, 1-based): chr11:77,179,733, A>G. VCF-style: chr11-77179733-A-G. GRCh37 (hg19) VCF-style: chr11-76890779-A-G.
Other names: c.2335-2A>G (NM_001369365.1); c.2368-2A>G (NM_001127180.2).
Identifiers: ClinVar variation 5004178 (VCV005004178.1).